The following is an entry in ClinVar:

ClinVar aggregate classification (germline): Uncertain significance (1 of 4 stars; one submission).

Conditions:
Oligodontia-cancer predisposition syndrome. Also called: TOOTH AGENESIS-COLORECTAL CANCER SYNDROME. Identifiers: Orphanet 300576, MedGen C1837750, MONDO:0012075, OMIM 608615. Disease mechanism: loss of function.

Submission:

Labcorp Genetics (formerly Invitae), Labcorp
Classification: Uncertain significance for Oligodontia-cancer predisposition syndrome. Last evaluated: 2024-10-01. Review status: criteria provided, single submitter. Criteria: Invitae Variant Classification Sherloc (09022015). Collection method: clinical testing. Allele origin: germline.
Comment: This sequence change replaces serine, which is neutral and polar, with alanine, which is neutral and non-polar, at codon 424 of the AXIN2 protein (p.Ser424Ala). This variant is not present in population databases (gnomAD no frequency). This variant has not been reported in the literature in individuals affected with AXIN2-related conditions. Invitae Evidence Modeling of protein sequence and biophysical properties (such as structural, functional, and spatial information, amino acid conservation, physicochemical variation, residue mobility, and thermodynamic stability) indicates that this missense variant is not expected to disrupt AXIN2 protein function with a negative predictive value of 80%. In summary, the available evidence is currently insufficient to determine the role of this variant in disease. Therefore, it has been classified as a Variant of Uncertain Significance.

NM_004655.4(AXIN2):c.1270T>G (p.Ser424Ala)

Gene: AXIN2 (axin 2; minus strand). Cytogenetic location: 17q24.1.
Variant type: single nucleotide variant.
Coding change: c.1270T>G on transcript NM_004655.4 (MANE Select); coding-DNA position 1270, T replaced by G.
Protein change: p.Ser424Ala; replaces serine 424 with alanine.
Molecular consequence: missense variant.
Genome position (GRCh38, 1-based): chr17:65,537,766, A>C on the plus strand (T>G on the coding strand, the complement: AXIN2 is on the minus strand). VCF-style: chr17-65537766-A-C. GRCh37 (hg19) VCF-style: chr17-63533884-A-C.
Other names: c.1270T>G, p.Ser424Ala (NM_001363813.1); short protein forms S424A.
Identifiers: ClinVar variation 3687540 (VCV003687540.2).